The following is an entry in ClinVar:

ClinVar aggregate classification (germline): Uncertain significance. Review status: criteria provided, multiple submitters, no conflicts (2 of 4 stars). 2 submissions from 2 submitters: Uncertain significance (2). Last evaluated 2024-04-23.

Conditions:
Inborn genetic diseases. Identifiers: MedGen C0950123, MeSH D030342.

Allele frequency attached by ClinVar (database versions not stated): ExAC 0.00002; gnomAD exomes 0.00002 and 0.00003; TOPMed 0.00002; gnomAD 0.00003.
gnomAD v4.1: 14 of 1,613,816 alleles (0.00087%); highest among the groups gnomAD compares: Admixed American, 0.023%; no homozygotes.

Submissions (2):

Ambry Genetics
Classification: Uncertain significance for Inborn genetic diseases. Last evaluated: 2024-04-23. Review status: criteria provided, single submitter. Criteria: Ambry Variant Classification Scheme 2023. Collection method: clinical testing. Allele origin: germline.

Labcorp Genetics (formerly Invitae), Labcorp
Classification: Uncertain significance. Last evaluated: 2022-07-06. Review status: criteria provided, single submitter. Criteria: Invitae Variant Classification Sherloc (09022015). Collection method: clinical testing. Allele origin: germline.
Comment: This sequence change replaces alanine, which is neutral and non-polar, with valine, which is neutral and non-polar, at codon 141 of the RNF168 protein (p.Ala141Val). This variant is present in population databases (rs746748610, gnomAD 0.02%). This variant has not been reported in the literature in individuals affected with RNF168-related conditions. ClinVar contains an entry for this variant (Variation ID: 1478531). Algorithms developed to predict the effect of missense changes on protein structure and function are either unavailable or do not agree on the potential impact of this missense change (SIFT: "Deleterious"; PolyPhen-2: "Possibly Damaging"; Align-GVGD: "Class C0"). Algorithms developed to predict the effect of sequence changes on RNA splicing suggest that this variant may create or strengthen a splice site. In summary, the available evidence is currently insufficient to determine the role of this variant in disease. Therefore, it has been classified as a Variant of Uncertain Significance.

NM_152617.4(RNF168):c.422C>T (p.Ala141Val)

Gene: RNF168 (ring finger protein 168; minus strand). Cytogenetic location: 3q29.
Variant type: single nucleotide variant.
Coding change: c.422C>T on transcript NM_152617.4 (MANE Select); coding-DNA position 422, C replaced by T.
Protein change: p.Ala141Val; replaces alanine 141 with valine.
Molecular consequence: missense variant.
Genome position (GRCh38, 1-based): chr3:196,487,535, G>A on the plus strand (C>T on the coding strand, the complement: RNF168 is on the minus strand). VCF-style: chr3-196487535-G-A. GRCh37 (hg19) VCF-style: chr3-196214406-G-A.
Other names: c.422C>T (NM_152617.3); short protein forms A141V.
Identifiers: ClinVar variation 1478531 (VCV001478531.6), dbSNP rs746748610, ClinGen allele CA2780938.